The following is an entry in ClinVar:

NM_005898.5(CAPRIN1):c.1209G>T (p.Met403Ile)

Gene: CAPRIN1 (cell cycle associated protein 1; plus strand). Cytogenetic location: 11p13.
Variant type: single nucleotide variant.
Coding change: c.1209G>T on transcript NM_005898.5 (MANE Select); coding-DNA position 1209, G replaced by T.
Protein change: p.Met403Ile; replaces methionine 403 with isoleucine.
Molecular consequence: missense variant.
Genome position (GRCh38, 1-based): chr11:34,086,391, G>T. VCF-style: chr11-34086391-G-T. GRCh37 (hg19) VCF-style: chr11-34107938-G-T.
Other names: c.1209G>T, p.Met403Ile (NM_203364.3); short protein forms M403I.
Identifiers: ClinVar variation 3772326 (VCV003772326.13).
Genomic context (GRCh38, chr11:34,086,391, plus strand): 5'-GACACTTGATCCTGCCATTGTATCTGCACAGCCTATGAATCCAACACAAAACATGGACAT[G>T]CCCCAGCTGGTTTGCCCTCCAGGTTAGTAGTGGTACATTTTTATGTGAGAGAGAAATATA-3'
Protein context (NP_005889.3, residues 393-413): QPMNPTQNMD[Met403Ile]PQLVCPPVHS

ClinVar aggregate classification (germline): Uncertain significance (1 of 4 stars; one submission).

Submission:

CeGaT Center for Human Genetics Tuebingen
Classification: Uncertain significance. Last evaluated: 2025-01-01. Review status: criteria provided, single submitter. Criteria: CeGaT Center For Human Genetics Tuebingen Variant Classification Criteria Version 2. Collection method: clinical testing. Allele origin: germline. Affected: yes. Observed: 1 variant allele.
Comment: CAPRIN1: PM2, BP4